The following is an entry in ClinVar:

ClinVar aggregate classification (germline): Pathogenic. Review status: reviewed by expert panel (3 of 4 stars). 8 submissions from 8 submitters: Pathogenic (1). 7 of the submissions do not count toward it. Last evaluated 2016-09-08.

Conditions:
Hereditary cancer-predisposing syndrome. Also called: Hereditary Cancer Syndrome; Hereditary neoplastic syndrome; Neoplastic Syndromes, Hereditary; Tumor predisposition. Identifiers: Orphanet 140162, MedGen C0027672, MeSH D009386, MONDO:0015356.
Breast-ovarian cancer, familial, susceptibility to, 1 (BROVCA1). Also called: BRCA1 Hereditary Breast and Ovarian Cancer; OVARIAN CANCER, SUSCEPTIBILITY TO. Identifiers: Orphanet 145, MedGen C2676676, MONDO:0011450, OMIM 604370. Disease mechanism: loss of function.
Breast neoplasm. Also called: Neoplasm of the breast; Neoplasm of breast; Breast tumor; Breast Neoplasms. Identifiers: MedGen C1458155, MeSH D001943, MONDO:0021100, HP:0100013. Disease mechanism: gain of function.
Hereditary breast ovarian cancer syndrome. Also called: BRCA1- and BRCA2-Associated Hereditary Breast and Ovarian Cancer; Hereditary breast and ovarian cancer syndrome; Hereditary breast and ovarian cancer syndrome (HBOC); Breast and ovarian cancer; Hereditary breast and/or ovarian cancer syndrome; Hereditary breast and ovarian cancer. Identifiers: Orphanet 145, MedGen C0677776, MeSH D061325, MONDO:0003582. Disease mechanism: loss of function.

Submissions (8):

Evidence-based Network for the Interpretation of Germline Mutant Alleles (ENIGMA)
Classification: Pathogenic for Breast-ovarian cancer, familial, susceptibility to, 1. Last evaluated: 2016-09-08. Review status: reviewed by expert panel. Criteria: ENIGMA BRCA1/2 Classification Criteria (2015). Collection method: curation. Allele origin: germline.
Comment: Variant allele predicted to encode a truncated non-functional protein.

Labcorp Genetics (formerly Invitae), Labcorp
Classification: Pathogenic for Hereditary breast ovarian cancer syndrome. Last evaluated: 2024-05-07. Review status: criteria provided, single submitter. Criteria: Invitae Variant Classification Sherloc (09022015). Collection method: clinical testing. Allele origin: germline. Not counted in ClinVar's aggregate classification.
Comment: This sequence change creates a premature translational stop signal (p.Lys443*) in the BRCA1 gene. It is expected to result in an absent or disrupted protein product. Loss-of-function variants in BRCA1 are known to be pathogenic (PMID: 20104584). This variant is not present in population databases (gnomAD no frequency). This premature translational stop signal has been observed in individual(s) with breast and/or ovarian cancer (PMID: 24884479, 33258288). ClinVar contains an entry for this variant (Variation ID: 91545). For these reasons, this variant has been classified as Pathogenic.

Ambry Genetics
Classification: Pathogenic for Hereditary cancer-predisposing syndrome. Last evaluated: 2018-12-07. Review status: criteria provided, single submitter. Criteria: Ambry Variant Classification Scheme 2023. Collection method: clinical testing. Allele origin: germline. Not counted in ClinVar's aggregate classification.
Comment: The p.K443* pathogenic mutation (also known as c.1327A>T), located in coding exon 9 of the BRCA1 gene, results from an A to T substitution at nucleotide position 1327. This changes the amino acid from a lysine to a stop codon within coding exon 9. In addition to the clinical data presented in the literature, this alteration is expected to result in loss of function by premature protein truncation or nonsense-mediated mRNA decay. As such, this alteration is interpreted as a disease-causing mutation.

Mendelics
Classification: Pathogenic for Hereditary breast and ovarian cancer syndrome. Last evaluated: 2018-07-02. Review status: criteria provided, single submitter. Criteria: Mendelics Assertion Criteria 2017. Collection method: clinical testing. Allele origin: unknown. Not counted in ClinVar's aggregate classification.

Clinical and Functional Genomics Group, A.C.Camargo Cancer Center
Classification: Pathogenic for Breast Cancer. Review status: criteria provided, single submitter. Criteria: Silva et al. (BMC Med Genet. 2014). Collection method: research. Allele origin: germline. Affected: yes. Not counted in ClinVar's aggregate classification.

Genesis Genomics
Classification: Pathogenic for Breast-ovarian cancer, familial, susceptibility to, 1. Review status: criteria provided, single submitter. Criteria: ACMG Guidelines, 2015. Collection method: clinical testing. Allele origin: germline. Affected: yes. Observed: 1 variant allele. Not counted in ClinVar's aggregate classification.

Molecular Endocrinology Laboratory, Christian Medical College
Classification: Pathogenic for Breast-ovarian cancer, familial, susceptibility to, 1. Review status: criteria provided, single submitter. Criteria: ACMG Guidelines, 2015. Collection method: clinical testing. Allele origin: germline. Affected: yes. Not counted in ClinVar's aggregate classification.

Sharing Clinical Reports Project (SCRP)
Classification: Pathogenic for Breast-ovarian cancer, familial 1. Last evaluated: 2011-10-26. Review status: no assertion criteria provided. Collection method: clinical testing. Allele origin: germline. Not counted in ClinVar's aggregate classification.

Literature cited by the submitters: PubMed 20104584 (cited by Labcorp Genetics (formerly Invitae), Labcorp); PubMed 24884479 (cited by 3 submitters); PubMed 33258288 (cited by Labcorp Genetics (formerly Invitae), Labcorp); PubMed 29907814 (cited by Ambry Genetics); PubMed 23469205 (cited by Clinical and Functional Genomics Group, A.C.Camargo Cancer Center).

NM_007294.4(BRCA1):c.1327A>T (p.Lys443Ter)

Gene: BRCA1 (BRCA1 DNA repair associated; minus strand). Cytogenetic location: 17q21.31.
Variant type: single nucleotide variant.
Coding change: c.1327A>T on transcript NM_007294.4 (MANE Select); coding-DNA position 1327, A replaced by T.
Protein change: p.Lys443Ter; replaces lysine 443 with a stop codon.
Molecular consequence: nonsense. On other transcripts: intron variant (137).
Genome position (GRCh38, 1-based): chr17:43,094,204, T>A on the plus strand (A>T on the coding strand, the complement: BRCA1 is on the minus strand). VCF-style: chr17-43094204-T-A. GRCh37 (hg19) VCF-style: chr17-41246221-T-A.
Other names: 1446A>T; c.1327A>T, p.Lys443Ter (NM_001407598.1, NM_001407602.1, NM_001407603.1 and 30 more transcripts); c.1324A>T, p.Lys442Ter (NM_001407610.1, NM_001407611.1, NM_001407612.1 and 22 more transcripts); c.1318A>T, p.Lys440Ter (NM_001407646.1, NM_001407647.1); c.1204A>T, p.Lys402Ter (NM_001407648.1, NM_001407666.1, NM_001407667.1 and 19 more transcripts); c.1201A>T, p.Lys401Ter (NM_001407649.1, NM_001407670.1, NM_001407671.1 and 11 more transcripts); c.1249A>T, p.Lys417Ter (NM_001407653.1, NM_001407654.1, NM_001407655.1 and 4 more transcripts); c.1186A>T, p.Lys396Ter (NM_001407692.1, NM_001407694.1, NM_001407695.1 and 29 more transcripts); and 41 more; short protein forms K443*, K396*, K315*, K332*, K354*, K372*, K376*, K395*.
Identifiers: ClinVar variation 91545 (VCV000091545.11), dbSNP rs398122630, ClinGen allele CA000866.